The following is an entry in ClinVar:

ClinVar aggregate classification (germline): Uncertain significance (1 of 4 stars; one submission).

Submission:

Labcorp Genetics (formerly Invitae), Labcorp
Classification: Uncertain significance. Last evaluated: 2022-10-05. Review status: criteria provided, single submitter. Criteria: Invitae Variant Classification Sherloc (09022015). Collection method: clinical testing. Allele origin: germline.
Comment: Algorithms developed to predict the effect of missense changes on protein structure and function are either unavailable or do not agree on the potential impact of this missense change (SIFT: "Not Available"; PolyPhen-2: "Benign"; Align-GVGD: "Not Available"). In summary, the available evidence is currently insufficient to determine the role of this variant in disease. Therefore, it has been classified as a Variant of Uncertain Significance. This variant has not been reported in the literature in individuals affected with A4GALT-related conditions. This variant is not present in population databases (gnomAD no frequency). This sequence change replaces alanine, which is neutral and non-polar, with glycine, which is neutral and non-polar, at codon 15 of the A4GALT protein (p.Ala15Gly).

NM_017436.7(A4GALT):c.44C>G (p.Ala15Gly)

Gene: A4GALT (alpha 1,4-galactosyltransferase (P1PK blood group); minus strand). Cytogenetic location: 22q13.2.
Variant type: single nucleotide variant.
Coding change: c.44C>G on transcript NM_017436.7 (MANE Select); coding-DNA position 44, C replaced by G.
Protein change: p.Ala15Gly; replaces alanine 15 with glycine.
Molecular consequence: missense variant.
Genome position (GRCh38, 1-based): chr22:42,693,908, G>C on the plus strand (C>G on the coding strand, the complement: A4GALT is on the minus strand). VCF-style: chr22-42693908-G-C. GRCh37 (hg19) VCF-style: chr22-43089914-G-C.
Other names: c.44C>G, p.Ala15Gly (NM_001318038.3); short protein forms A15G.
Identifiers: ClinVar variation 2073272 (VCV002073272.4), dbSNP rs1223357094, ClinGen allele CA411813158.